The following is an entry in ClinVar:

NM_005591.4(MRE11):c.1869del (p.Phe624fs)

Gene: MRE11 (MRE11 double strand break repair nuclease; minus strand). Cytogenetic location: 11q21.
Variant type: Deletion.
Coding change: c.1869del on transcript NM_005591.4 (MANE Select); coding-DNA position 1869, one base deleted (C; older notation c.1869delC).
Protein change: p.Phe624fs; shifts the reading frame from phenylalanine 624.
Molecular consequence: frameshift variant.
Genome position (GRCh38, 1-based): chr11:94,437,234, G deleted on the plus strand (C on the coding strand, the reverse complement: MRE11 is on the minus strand); the first of 2 consecutive G bases (chr11:94,437,234-94,437,235); deleting either gives the same sequence. VCF-style (leftmost placement, unchanged base first): chr11-94437233-AG-A. GRCh37 (hg19) VCF-style: chr11-94170399-AG-A.
Other names: c.1866del, p.Phe623fs (NM_001330347.2); c.1785del, p.Phe596fs (NM_005590.4); c.1869delC (NM_005591.3); short protein forms F624fs, F596fs, F623fs.
Identifiers: ClinVar variation 479714 (VCV000479714.5), dbSNP rs1264516058, ClinGen allele CA600852761.

ClinVar aggregate classification (germline): Pathogenic (1 of 4 stars; one submission).

Conditions:
Hereditary cancer-predisposing syndrome. Also called: Hereditary Cancer Syndrome; Neoplastic Syndromes, Hereditary; Tumor predisposition; Hereditary neoplastic syndrome. Identifiers: Orphanet 140162, MedGen C0027672, MeSH D009386, MONDO:0015356.

Submission:

Ambry Genetics
Classification: Pathogenic for Hereditary cancer-predisposing syndrome. Last evaluated: 2021-12-03. Review status: criteria provided, single submitter. Criteria: Ambry Variant Classification Scheme 2023. Collection method: clinical testing. Allele origin: germline.
Comment: The c.1869delC pathogenic mutation, located in coding exon 16 of the MRE11A gene, results from a deletion of one nucleotide at nucleotide position 1869, causing a translational frameshift with a predicted alternate stop codon (p.F624Lfs*20). This alteration is expected to result in loss of function by premature protein truncation or nonsense-mediated mRNA decay. As such, this alteration is interpreted as a disease-causing mutation.